The following is an entry in ClinVar:

ClinVar aggregate classification (germline): Uncertain significance. Review status: criteria provided, multiple submitters, no conflicts (2 of 4 stars). 2 submissions from 2 submitters: Uncertain significance (2). Last evaluated 2025-04-13.

Conditions:
Holoprosencephaly 11 (HPE11). Identifiers: Orphanet 2162, MedGen C3280215, MONDO:0013642, OMIM 614226.
CDON-related disorder. Also called: CDON-related condition.

Allele frequency attached by ClinVar (database versions not stated): TOPMed below 0.00001.

Submissions (2):

PreventionGenetics, part of Exact Sciences
Classification: Uncertain significance for CDON-related condition. Last evaluated: 2025-04-13. Review status: criteria provided, single submitter. Criteria: ACMG Guidelines, 2015. Collection method: clinical testing. Allele origin: germline.
Comment: The CDON c.3061A>G variant is predicted to result in the amino acid substitution p.Thr1021Ala. To our knowledge, this variant has not been reported in the literature or in a large population database (gnomAD), indicating this variant is rare. At this time, the clinical significance of this variant is uncertain due to the absence of conclusive functional and genetic evidence.

Illumina Laboratory Services, Illumina
Classification: Uncertain significance for Holoprosencephaly 11. Last evaluated: 2018-01-12. Review status: criteria provided, single submitter. Criteria: ICSL Variant Classification Criteria 13 December 2019. Collection method: clinical testing. Allele origin: germline.

NM_001378964.1(CDON):c.3061A>G (p.Thr1021Ala)

Gene: CDON (cell adhesion associated, oncogene regulated; minus strand). Cytogenetic location: 11q24.2.
Variant type: single nucleotide variant.
Coding change: c.3061A>G on transcript NM_001378964.1 (MANE Select); coding-DNA position 3061, A replaced by G.
Protein change: p.Thr1021Ala; replaces threonine 1021 with alanine.
Molecular consequence: missense variant.
Genome position (GRCh38, 1-based): chr11:125,981,264, T>C on the plus strand (A>G on the coding strand, the complement: CDON is on the minus strand). VCF-style: chr11-125981264-T-C. GRCh37 (hg19) VCF-style: chr11-125851159-T-C.
Other names: c.3061A>G, p.Thr1021Ala (NM_001243597.3, NM_016952.6); short protein forms T1021A.
Identifiers: ClinVar variation 303495 (VCV000303495.6), dbSNP rs762511903, ClinGen allele CA10637821.
Genomic context (GRCh38, chr11:125,981,264, plus strand): 5'-CGCCATTGGTTAGGAAGCCTCCGTGAACATTTCCATTTATCTGACTTGCTCCTGAGAGAG[T>C]GGTGTAGTCCACCATCTGCCCGTTCATATCTGATCCTTGGTAGAGATATCCTGGTGGGTC-3'
Protein context (NP_001365893.1, residues 1011-1031): DMNGQMVDYT[Thr1021Ala]LSGASQINGN